The following is an entry in ClinVar:

ClinVar aggregate classification (germline): Likely pathogenic (1 of 4 stars; one submission).

Conditions:
PKD1-related disorder. Also called: PKD1-related condition.

Submission:

PreventionGenetics, part of Exact Sciences
Classification: Likely pathogenic for PKD1-related condition. Last evaluated: 2025-10-31. Review status: criteria provided, single submitter. Criteria: ACMG Guidelines, 2015. Collection method: clinical testing. Allele origin: germline.
Comment: The PKD1 c.6833G>A variant is predicted to result in the amino acid substitution p.Gly2278Glu. This variant was reported in an individual with autosomal dominant polycystic kidney disease (ADPKD) and noted to segregate with the disorder (Table S1, Xu et al. 2024. PubMed ID: 38527221). In addition, this variant was also found to segregate with ADPKD in one family at PreventionGenetics (internal data). Of note, an alternate variant at the same amino acid position (p.Gly2278Arg) has been reported in individuals with ADPKD (Appendix Table 1C, Rossetti et al. 2007. PubMed ID: 17582161; Ali et al. 2023. PubMed ID: 36755831), and was noted to segregate with the disorder in a family (Table 3, Xu et al. 2018. PubMed ID: 29529603). The c.6833G>A (p.Gly2278Glu) variant has not been reported in a large population database (gnomAD), indicating this variant is rare. Taken together, we classify this variant as likely pathogenic.

NM_001009944.3(PKD1):c.6833G>A (p.Gly2278Glu)

Gene: PKD1 (polycystin 1, transient receptor potential channel interacting; minus strand). Cytogenetic location: 16p13.3.
Variant type: single nucleotide variant.
Coding change: c.6833G>A on transcript NM_001009944.3 (MANE Select); coding-DNA position 6833, G replaced by A.
Protein change: p.Gly2278Glu; replaces glycine 2278 with glutamic acid.
Molecular consequence: missense variant.
Genome position (GRCh38, 1-based): chr16:2,108,334, C>T on the plus strand (G>A on the coding strand, the complement: PKD1 is on the minus strand). VCF-style: chr16-2108334-C-T. GRCh37 (hg19) VCF-style: chr16-2158335-C-T.
Other names: c.6833G>A, p.Gly2278Glu (NM_000296.4); short protein forms G2278E.
Identifiers: ClinVar variation 4983681 (VCV004983681.1).